The following is an entry in ClinVar:

NM_182643.3(DLC1):c.542G>T (p.Arg181Ile)

Gene: DLC1 (DLC1 Rho GTPase activating protein; minus strand). Cytogenetic location: 8p22.
Variant type: single nucleotide variant.
Coding change: c.542G>T on transcript NM_182643.3 (MANE Select); coding-DNA position 542, G replaced by T.
Protein change: p.Arg181Ile; replaces arginine 181 with isoleucine.
Molecular consequence: missense variant. On other transcripts: 5 prime UTR variant (1).
Genome position (GRCh38, 1-based): chr8:13,499,530, C>A on the plus strand (G>T on the coding strand, the complement: DLC1 is on the minus strand). VCF-style: chr8-13499530-C-A. GRCh37 (hg19) VCF-style: chr8-13357039-C-A.
Other names: c.542G>T, p.Arg181Ile (NM_001348081.2, NM_001413124.1, NM_001413125.1 and 1 more transcripts); c.-910G>T (NM_001348082.2); short protein forms R181I.
Identifiers: ClinVar variation 2805438 (VCV002805438.3), dbSNP rs577582690, ClinGen allele CA4639475.

ClinVar aggregate classification (germline): Uncertain significance (1 of 4 stars; one submission).

Allele frequency attached by ClinVar (database versions not stated): 1000 Genomes Project 30x 0.00016; 1000 Genomes Project 0.00020.
gnomAD v4.1: 1 of 1,614,094 alleles (0.000062%); highest among the groups gnomAD compares: African/African-American, 0.0013%; no homozygotes.

Submission:

Labcorp Genetics (formerly Invitae), Labcorp
Classification: Uncertain significance. Last evaluated: 2024-01-08. Review status: criteria provided, single submitter. Criteria: Invitae Variant Classification Sherloc (09022015). Collection method: clinical testing. Allele origin: germline.
Comment: This sequence change replaces arginine, which is basic and polar, with isoleucine, which is neutral and non-polar, at codon 181 of the DLC1 protein (p.Arg181Ile). This variant is present in population databases (rs577582690, gnomAD 0.007%). This variant has not been reported in the literature in individuals affected with DLC1-related conditions. An algorithm developed to predict the effect of missense changes on protein structure and function (PolyPhen-2) suggests that this variant is likely to be tolerated. In summary, the available evidence is currently insufficient to determine the role of this variant in disease. Therefore, it has been classified as a Variant of Uncertain Significance.